The following is an entry in ClinVar:

NM_152443.3(RDH12):c.382G>A (p.Val128Ile)

Genes: RDH12 (retinol dehydrogenase 12; plus strand), GPHN (gephyrin; plus strand). Cytogenetic location: 14q24.1.
Variant type: single nucleotide variant.
Coding change: c.382G>A on transcript NM_152443.3 (MANE Select); coding-DNA position 382, G replaced by A.
Protein change: p.Val128Ile; replaces valine 128 with isoleucine.
Molecular consequence: missense variant.
Genome position (GRCh38, 1-based): chr14:67,726,089, G>A. VCF-style: chr14-67726089-G-A. GRCh37 (hg19) VCF-style: chr14-68192806-G-A.
Other names: short protein forms V128I.
Identifiers: ClinVar variation 2544226 (VCV002544226.3), dbSNP rs759223827, ClinGen allele CA7238693.

ClinVar aggregate classification (germline): Uncertain significance. Review status: criteria provided, multiple submitters, no conflicts (2 of 4 stars). 2 submissions from 2 submitters: Uncertain significance (2). Last evaluated 2025-12-16.

Conditions:
Inborn genetic diseases. Identifiers: MedGen C0950123, MeSH D030342.
Leber congenital amaurosis 13 (LCA13). Identifiers: MedGen C2675186, MONDO:0012990, OMIM 612712.

Allele frequency attached by ClinVar (database versions not stated): gnomAD exomes 0.00001; ExAC 0.00002.
gnomAD v4.1: 8 of 1,614,076 alleles (0.0005%); highest among the groups gnomAD compares: East Asian, 0.018%; no homozygotes.

Submissions (2):

Labcorp Genetics (formerly Invitae), Labcorp
Classification: Uncertain significance for Leber congenital amaurosis 13. Last evaluated: 2025-12-16. Review status: criteria provided, single submitter. Criteria: Invitae Variant Classification Sherloc (09022015). Collection method: clinical testing. Allele origin: germline.
Comment: This sequence change replaces valine, which is neutral and non-polar, with isoleucine, which is neutral and non-polar, at codon 128 of the RDH12 protein (p.Val128Ile). This variant is present in population databases (rs759223827, gnomAD 0.03%). This variant has not been reported in the literature in individuals affected with RDH12-related conditions. ClinVar contains an entry for this variant (Variation ID: 2544226). Invitae Evidence Modeling of protein sequence and biophysical properties (such as structural, functional, and spatial information, amino acid conservation, physicochemical variation, residue mobility, and thermodynamic stability) indicates that this missense variant is not expected to disrupt RDH12 protein function with a negative predictive value of 80%. This variant disrupts the p.Val128 amino acid residue in RDH12. Other variant(s) that disrupt this residue have been observed in individuals with RDH12-related conditions (PMID: 27208204, 35006499, 36729443), which suggests that this may be a clinically significant amino acid residue. In summary, the available evidence is currently insufficient to determine the role of this variant in disease. Therefore, it has been classified as a Variant of Uncertain Significance.

Ambry Genetics
Classification: Uncertain significance for Inborn genetic diseases. Last evaluated: 2023-05-05. Review status: criteria provided, single submitter. Criteria: Ambry Variant Classification Scheme 2023. Collection method: clinical testing. Allele origin: germline.

Literature cited by the submitters: PubMed 27208204 (cited by Labcorp Genetics (formerly Invitae), Labcorp); PubMed 35006499 (cited by Labcorp Genetics (formerly Invitae), Labcorp); PubMed 36729443 (cited by Labcorp Genetics (formerly Invitae), Labcorp).